The following is an entry in ClinVar:

ClinVar aggregate classification (germline): Uncertain significance (1 of 4 stars; one submission).

Allele frequency attached by ClinVar (database versions not stated): gnomAD exomes below 0.00001; ESP Exome Variant Server 0.00008.
gnomAD v4.1: 3 of 1,609,560 alleles (0.00019%); highest among the groups gnomAD compares: Non-Finnish European, 0.00025%; no homozygotes.

Submission:

Labcorp Genetics (formerly Invitae), Labcorp
Classification: Uncertain significance. Last evaluated: 2022-05-31. Review status: criteria provided, single submitter. Criteria: Invitae Variant Classification Sherloc (09022015). Collection method: clinical testing. Allele origin: germline.
Comment: This sequence change replaces asparagine, which is neutral and polar, with aspartic acid, which is acidic and polar, at codon 390 of the CWC27 protein (p.Asn390Asp). This variant is not present in population databases (gnomAD no frequency). This variant has not been reported in the literature in individuals affected with CWC27-related conditions. Algorithms developed to predict the effect of missense changes on protein structure and function (SIFT, PolyPhen-2, Align-GVGD) all suggest that this variant is likely to be tolerated. In summary, the available evidence is currently insufficient to determine the role of this variant in disease. Therefore, it has been classified as a Variant of Uncertain Significance.

NM_005869.4(CWC27):c.1168A>G (p.Asn390Asp)

Gene: CWC27 (CWC27 spliceosome associated cyclophilin; plus strand). Cytogenetic location: 5q12.3.
Variant type: single nucleotide variant.
Coding change: c.1168A>G on transcript NM_005869.4 (MANE Select); coding-DNA position 1168, A replaced by G.
Protein change: p.Asn390Asp; replaces asparagine 390 with aspartic acid.
Molecular consequence: missense variant. On other transcripts: intron variant (1).
Genome position (GRCh38, 1-based): chr5:64,977,150, A>G. VCF-style: chr5-64977150-A-G. GRCh37 (hg19) VCF-style: chr5-64272977-A-G.
Other names: c.1152+5338A>G (NM_001297644.1); short protein forms N390D.
Identifiers: ClinVar variation 1973489 (VCV001973489.2), dbSNP rs367948278, ClinGen allele CA120337216.